The following is an entry in ClinVar:

NM_001572.5(IRF7):c.1169C>G (p.Ser390Cys)

Gene: IRF7 (interferon regulatory factor 7; minus strand). Cytogenetic location: 11p15.5.
Variant type: single nucleotide variant.
Coding change: c.1169C>G on transcript NM_001572.5 (MANE Select); coding-DNA position 1169, C replaced by G.
Protein change: p.Ser390Cys; replaces serine 390 with cysteine.
Molecular consequence: missense variant.
Genome position (GRCh38, 1-based): chr11:613,274, G>C on the plus strand (C>G on the coding strand, the complement: IRF7 is on the minus strand). VCF-style: chr11-613274-G-C. GRCh37 (hg19) VCF-style: chr11-613274-G-C.
Other names: c.1082C>G, p.Ser361Cys (NM_004029.4); c.1208C>G, p.Ser403Cys (NM_004031.4); short protein forms S361C, S390C, S403C.
Identifiers: ClinVar variation 2725432 (VCV002725432.3), dbSNP rs1204451825, ClinGen allele CA378978687.

ClinVar aggregate classification (germline): Uncertain significance (1 of 4 stars; one submission).

Conditions:
Immunodeficiency 39 (IMD39). Identifiers: Orphanet 574918, MedGen C4225358, MONDO:0014597, OMIM 616345.

Allele frequency attached by ClinVar (database versions not stated): TOPMed 0.00001.

Submission:

Labcorp Genetics (formerly Invitae), Labcorp
Classification: Uncertain significance for Immunodeficiency 39. Last evaluated: 2023-04-29. Review status: criteria provided, single submitter. Criteria: Invitae Variant Classification Sherloc (09022015). Collection method: clinical testing. Allele origin: germline.
Comment: This sequence change replaces serine, which is neutral and polar, with cysteine, which is neutral and slightly polar, at codon 403 of the IRF7 protein (p.Ser403Cys). This variant is present in population databases (no rsID available, gnomAD 0.0009%). This variant has not been reported in the literature in individuals affected with IRF7-related conditions. Algorithms developed to predict the effect of missense changes on protein structure and function output the following: SIFT: "Not Available"; PolyPhen-2: "Benign"; Align-GVGD: "Not Available". The cysteine amino acid residue is found in multiple mammalian species, which suggests that this missense change does not adversely affect protein function. In summary, the available evidence is currently insufficient to determine the role of this variant in disease. Therefore, it has been classified as a Variant of Uncertain Significance.